The following is an entry in ClinVar:

ClinVar aggregate classification (germline): Likely benign (1 of 4 stars; one submission).

gnomAD v4.1: 108 of 1,542,466 alleles (0.007%); highest among the groups gnomAD compares: Admixed American, 0.18%; 1 homozygote.

Submission:

CeGaT Center for Human Genetics Tuebingen
Classification: Likely benign. Last evaluated: 2026-07-01. Review status: criteria provided, single submitter. Criteria: CeGaT Center For Human Genetics Tuebingen Variant Classification Criteria Version 2. Collection method: clinical testing. Allele origin: germline. Affected: yes. Observed: 2 variant alleles.
Comment: EMILIN1: BP4, BS1

NM_007046.4(EMILIN1):c.1007G>A (p.Arg336Gln)

Gene: EMILIN1 (elastin microfibril interfacer 1; plus strand). Cytogenetic location: 2p23.3.
Variant type: single nucleotide variant.
Coding change: c.1007G>A on transcript NM_007046.4 (MANE Select); coding-DNA position 1007, G replaced by A.
Protein change: p.Arg336Gln; replaces arginine 336 with glutamine.
Molecular consequence: missense variant.
Genome position (GRCh38, 1-based): chr2:27,082,578, G>A. VCF-style: chr2-27082578-G-A. GRCh37 (hg19) VCF-style: chr2-27305446-G-A.
Other names: short protein forms R336Q.
Identifiers: ClinVar variation 4681624 (VCV004681624.5).
Genomic context (GRCh38, chr2:27,082,578, plus strand): 5'-AGCAGGAGGACAGGGAGCGGCTGCGAGCGATGGAGAAGCTGCTGGCCTCGGTGGAGGAGC[G>A]GCAACGGCACCTCGCAGGGCTGGCGGTGGGCCGCAGGCCCCCTCAGGAATGCTGCTCTCC-3'
Protein context (NP_008977.1, residues 326-346): MEKLLASVEE[Arg336Gln]QRHLAGLAVG